The following is an entry in ClinVar:

NM_012082.4(ZFPM2):c.2311A>G (p.Thr771Ala)

Genes: ZFPM2 (zinc finger protein, FOG family member 2; plus strand), ZFPM2-AS1 (ZFPM2 antisense RNA 1; minus strand), LOC126860469 (BRD4-independent group 4 enhancer GRCh37_chr8:106814445-106815644; plus strand). Cytogenetic location: 8q23.1.
Variant type: single nucleotide variant.
Coding change: c.2311A>G on transcript NM_012082.4 (MANE Select); coding-DNA position 2311, A replaced by G.
Protein change: p.Thr771Ala; replaces threonine 771 with alanine.
Molecular consequence: missense variant.
Genome position (GRCh38, 1-based): chr8:105,802,393, A>G. VCF-style: chr8-105802393-A-G. GRCh37 (hg19) VCF-style: chr8-106814621-A-G.
Other names: c.2152A>G, p.Thr718Ala (NM_001362836.2); c.1915A>G, p.Thr639Ala (NM_001362837.2); short protein forms T718A, T771A, T639A.
Identifiers: ClinVar variation 2853037 (VCV002853037.3), dbSNP rs2488158962, ClinGen allele CA371953799.

ClinVar aggregate classification (germline): Uncertain significance (1 of 4 stars; one submission).

Conditions:
46,XY sex reversal 9 (SRXY9). Also called: 46,XY SEX REVERSAL, ZFPM2-RELATED. Identifiers: Orphanet 251510, MedGen C4015129, MONDO:0014480, OMIM 616067.

Submission:

Labcorp Genetics (formerly Invitae), Labcorp
Classification: Uncertain significance for 46,XY sex reversal 9. Last evaluated: 2023-04-07. Review status: criteria provided, single submitter. Criteria: Invitae Variant Classification Sherloc (09022015). Collection method: clinical testing. Allele origin: germline.
Comment: In summary, the available evidence is currently insufficient to determine the role of this variant in disease. Therefore, it has been classified as a Variant of Uncertain Significance. An algorithm developed to predict the effect of missense changes on protein structure and function (PolyPhen-2) suggests that this variant is likely to be tolerated. This variant has not been reported in the literature in individuals affected with ZFPM2-related conditions. This variant is not present in population databases (gnomAD no frequency). This sequence change replaces threonine, which is neutral and polar, with alanine, which is neutral and non-polar, at codon 771 of the ZFPM2 protein (p.Thr771Ala).